The following is an entry in ClinVar:

ClinVar aggregate classification (germline): Uncertain significance. Review status: criteria provided, single submitter (1 of 4 stars). 2 submissions from 2 submitters: Uncertain significance (1). 1 of the submissions does not count toward it. Last evaluated 2021-08-27.

Conditions:
Chronic granulomatous disease. Identifiers: Orphanet 379, MedGen C0018203, MONDO:0018305.
Granulomatous disease, chronic, autosomal recessive, cytochrome b-negative. Also called: GRANULOMATOUS DISEASE, CHRONIC, AUTOSOMAL RECESSIVE, 4; Chronic granulomatous disease, autosomal, due to deficiency of CYBA; CGD DUE TO DEFICIENCY OF THE ALPHA SUBUNIT OF CYTOCHROME b; CGD, AUTOSOMAL RECESSIVE CYTOCHROME b-NEGATIVE; CYBA DEFICIENCY. Identifiers: Orphanet 379, MedGen C1856255, MONDO:0009308, OMIM 233690.

gnomAD v4.1: 20 of 1,611,018 alleles (0.0012%); highest among the groups gnomAD compares: Admixed American, 0.01%; no homozygotes.

Submissions (2):

Labcorp Genetics (formerly Invitae), Labcorp
Classification: Uncertain significance for Granulomatous disease, chronic, autosomal recessive, cytochrome b-negative. Last evaluated: 2021-08-27. Review status: criteria provided, single submitter. Criteria: Invitae Variant Classification Sherloc (09022015). Collection method: clinical testing. Allele origin: germline.
Comment: This sequence change replaces arginine with tryptophan at codon 56 of the CYBA protein (p.Arg56Trp). The arginine residue is highly conserved and there is a moderate physicochemical difference between arginine and tryptophan. This variant is present in population databases (rs767148046, ExAC 0.009%). This variant has not been reported in the literature in individuals affected with CYBA-related conditions. Algorithms developed to predict the effect of missense changes on protein structure and function are either unavailable or do not agree on the potential impact of this missense change (SIFT: "Deleterious"; PolyPhen-2: "Probably Damaging"; Align-GVGD: "Class C0"). In summary, the available evidence is currently insufficient to determine the role of this variant in disease. Therefore, it has been classified as a Variant of Uncertain Significance.

Natera, Inc.
Classification: Uncertain significance for Chronic granulomatous disease. Last evaluated: 2019-10-28. Review status: no assertion criteria provided. Collection method: clinical testing. Allele origin: germline. Not counted in ClinVar's aggregate classification.

NM_000101.4(CYBA):c.166C>T (p.Arg56Trp)

Gene: CYBA (cytochrome b-245 alpha chain; minus strand). Cytogenetic location: 16q24.2.
Variant type: single nucleotide variant.
Coding change: c.166C>T on transcript NM_000101.4 (MANE Select); coding-DNA position 166, C replaced by T.
Protein change: p.Arg56Trp; replaces arginine 56 with tryptophan.
Molecular consequence: missense variant.
Genome position (GRCh38, 1-based): chr16:88,647,138, G>A on the plus strand (C>T on the coding strand, the complement: CYBA is on the minus strand). VCF-style: chr16-88647138-G-A. GRCh37 (hg19) VCF-style: chr16-88713546-G-A.
Other names: short protein forms R56W.
Identifiers: ClinVar variation 567319 (VCV000567319.5), dbSNP rs767148046, ClinGen allele CA8228408.